The following is an entry in ClinVar:

NM_053025.4(MYLK):c.2194G>C (p.Ala732Pro)

Gene: MYLK (myosin light chain kinase; minus strand). Cytogenetic location: 3q21.1.
Variant type: single nucleotide variant.
Coding change: c.2194G>C on transcript NM_053025.4 (MANE Select); coding-DNA position 2194, G replaced by C.
Protein change: p.Ala732Pro; replaces alanine 732 with proline.
Molecular consequence: missense variant.
Genome position (GRCh38, 1-based): chr3:123,707,950, C>G on the plus strand (G>C on the coding strand, the complement: MYLK is on the minus strand). VCF-style: chr3-123707950-C-G. GRCh37 (hg19) VCF-style: chr3-123426797-C-G.
Other names: c.1666G>C, p.Ala556Pro (NM_001321309.2); c.1987G>C, p.Ala663Pro (NM_053026.4, NM_053028.4); c.2194G>C, p.Ala732Pro (NM_053027.4); c.2194G>C (NM_053025.3); short protein forms A556P, A663P, A732P.
Identifiers: ClinVar variation 2712644 (VCV002712644.5), dbSNP rs1218015517, ClinGen allele CA354234069.
Genomic context (GRCh38, chr3:123,707,950, plus strand): 5'-CGGTAGGAAAGGGGTCACCAGCTATGGCGCAGGAGATGAGGACACTCTGGCCCAGGGAGG[C>G]TGTCACTGAGCGAGGCTTACTGATGAACCAGGGCTGGGTGCCATCGTGAGGCTCTGGAAA-3'
Protein context (NP_444253.3, residues 722-742): WFISKPRSVT[Ala732Pro]SLGQSVLISC

ClinVar aggregate classification (germline): Uncertain significance. Review status: criteria provided, multiple submitters, no conflicts (2 of 4 stars). 3 submissions from 3 submitters: Uncertain significance (3). Last evaluated 2025-05-28.

Conditions:
Familial thoracic aortic aneurysm and aortic dissection (TAAD). Also called: Thoracic aortic aneurysms and dissections. Identifiers: Orphanet 91387, MedGen C4707243, MONDO:0019625.
Aortic aneurysm, familial thoracic 7 (AAT7). Also called: AORTIC DISSECTION, FAMILIAL, WITH OR WITHOUT AORTIC ANEURYSM. Identifiers: MedGen C3151077, MONDO:0013418, OMIM 613780.

Allele frequency attached by ClinVar (database versions not stated): TOPMed 0.00001.
gnomAD v4.1: 2 of 1,614,198 alleles (0.00012%); highest among the groups gnomAD compares: Middle Eastern, 0.017%; no homozygotes.

Submissions (3):

Ambry Genetics
Classification: Uncertain significance for Familial thoracic aortic aneurysm and aortic dissection. Last evaluated: 2025-05-28. Review status: criteria provided, single submitter. Criteria: Ambry Variant Classification Scheme 2023. Collection method: clinical testing. Allele origin: germline.

Labcorp Genetics (formerly Invitae), Labcorp
Classification: Uncertain significance for Aortic aneurysm, familial thoracic 7. Last evaluated: 2023-10-30. Review status: criteria provided, single submitter. Criteria: Invitae Variant Classification Sherloc (09022015). Collection method: clinical testing. Allele origin: germline.
Comment: This sequence change replaces alanine, which is neutral and non-polar, with proline, which is neutral and non-polar, at codon 732 of the MYLK protein (p.Ala732Pro). This variant is present in population databases (no rsID available, gnomAD 0.0009%). This variant has not been reported in the literature in individuals affected with MYLK-related conditions. Advanced modeling of protein sequence and biophysical properties (such as structural, functional, and spatial information, amino acid conservation, physicochemical variation, residue mobility, and thermodynamic stability) performed at Invitae indicates that this missense variant is not expected to disrupt MYLK protein function with a negative predictive value of 80%. In summary, the available evidence is currently insufficient to determine the role of this variant in disease. Therefore, it has been classified as a Variant of Uncertain Significance.

Breakthrough Genomics
Classification: Uncertain significance. Review status: criteria provided, single submitter. Criteria: ACMG Guidelines, 2015. Collection method: not provided. Allele origin: germline. Inheritance: Autosomal recessive inheritance. Affected: yes.